The following is an entry in ClinVar:

NC_000002.11:g.(?_26760564)_(26760662_?)del

Gene: OTOF (otoferlin; minus strand). Cytogenetic location: 2p23.3.
Variant type: Deletion.
Identifiers: ClinVar variation 3247608 (VCV003247608.1).

ClinVar aggregate classification (germline): Pathogenic (1 of 4 stars; one submission).

Submission:

Labcorp Genetics (formerly Invitae), Labcorp
Classification: Pathogenic. Last evaluated: 2023-12-10. Review status: criteria provided, single submitter. Criteria: Invitae Variant Classification Sherloc (09022015). Collection method: clinical testing. Allele origin: unknown.
Comment: This variant is a gross deletion of the genomic region encompassing exon(s) 2 of the OTOF gene. This deletion is out-of-frame, and is expected to create a premature termination codon and result in an absent or disrupted protein product. Loss-of-function variants in OTOF are known to be pathogenic (PMID: 18381613, 19250381, 22575033). This variant has not been reported in the literature in individuals affected with OTOF-related conditions. For these reasons, this variant has been classified as Pathogenic.

Literature cited by the submitters: PubMed 18381613; PubMed 19250381; PubMed 22575033.